The following is an entry in ClinVar:

ClinVar aggregate classification (germline): Likely benign. Review status: criteria provided, multiple submitters, no conflicts (2 of 4 stars). 2 submissions from 2 submitters: Likely benign (2). Last evaluated 2023-02-20.

Allele frequency attached by ClinVar (database versions not stated): gnomAD exomes 0.00001; TOPMed 0.00001; gnomAD 0.00002; ExAC 0.00004.
gnomAD v4.1: 23 of 1,610,176 alleles (0.0014%); highest among the groups gnomAD compares: Admixed American, 0.005%; no homozygotes.

Submissions (2):

Blueprint Genetics
Classification: Likely benign. Last evaluated: 2023-02-20. Review status: criteria provided, single submitter. Criteria: ACMG Guidelines, 2015. Collection method: clinical testing. Allele origin: germline.

CeGaT Center for Human Genetics Tuebingen
Classification: Likely benign. Last evaluated: 2022-10-01. Review status: criteria provided, single submitter. Criteria: CeGaT Center For Human Genetics Tuebingen Variant Classification Criteria Version 2. Collection method: clinical testing. Allele origin: germline. Affected: yes. Observed: 1 variant allele.
Comment: SPTBN4: BP4, BP7

NM_020971.3(SPTBN4):c.4140C>T (p.Ser1380=)

Gene: SPTBN4 (spectrin beta, non-erythrocytic 4; plus strand). Cytogenetic location: 19q13.2.
Variant type: single nucleotide variant.
Coding change: c.4140C>T on transcript NM_020971.3 (MANE Select); coding-DNA position 4140, C replaced by T.
Protein change: p.Ser1380=; no amino-acid change (serine 1380 retained).
Molecular consequence: synonymous variant.
Genome position (GRCh38, 1-based): chr19:40,534,124, C>T. VCF-style: chr19-40534124-C-T. GRCh37 (hg19) VCF-style: chr19-41040031-C-T.
Other names: c.168C>T, p.Ser56= (NM_025213.3).
Identifiers: ClinVar variation 2649897 (VCV002649897.25), dbSNP rs767657039, ClinGen allele CA9446198.